The following is an entry in ClinVar:

ClinVar aggregate classification (germline): Uncertain significance (1 of 4 stars; one submission).

Conditions:
TRPC5-related disorder. Also called: TRPC5-related condition.

gnomAD v4.1: 40 of 1,206,649 alleles (0.0033%); highest among the groups gnomAD compares: Non-Finnish European, 0.0043%; no homozygotes.

Submission:

PreventionGenetics, part of Exact Sciences
Classification: Uncertain significance for TRPC5-related condition. Last evaluated: 2025-05-29. Review status: criteria provided, single submitter. Criteria: ACMG Guidelines, 2015. Collection method: clinical testing. Allele origin: germline.
Comment: The TRPC5 c.2060C>G variant is predicted to result in the amino acid substitution p.Pro687Arg. To our knowledge, this variant has not been reported in the literature or in a large population database (gnomAD), indicating this variant is rare. At this time, the clinical significance of this variant is uncertain due to the absence of conclusive functional and genetic evidence.

NM_012471.3(TRPC5):c.2060C>G (p.Pro687Arg)

Gene: TRPC5 (transient receptor potential cation channel subfamily C member 5; minus strand). Cytogenetic location: Xq23.
Variant type: single nucleotide variant.
Coding change: c.2060C>G on transcript NM_012471.3 (MANE Select); coding-DNA position 2060, C replaced by G.
Protein change: p.Pro687Arg; replaces proline 687 with arginine.
Molecular consequence: missense variant.
Genome position (GRCh38, 1-based): chrX:111,781,975, G>C on the plus strand (C>G on the coding strand, the complement: TRPC5 is on the minus strand). VCF-style: chrX-111781975-G-C. GRCh37 (hg19) VCF-style: chrX-111025203-G-C.
Other names: short protein forms P687R.
Identifiers: ClinVar variation 4990170 (VCV004990170.1).
Genomic context (GRCh38, chrX:111,781,975, plus strand): 5'-TTCAAAATTAAAAGTCTTACTGTGAAACTTCTCAAGTTGCGCCTTCTCCGTCTACCGTCA[G>C]GGTCTCTTTTGGGGCAGAAGGTGTTGTTGAACCAGTTACCAAGGTATAGAAATGACTTGG-3'
Protein context (NP_036603.1, residues 677-697): FNNTFCPKRD[Pro687Arg]DGRRRRRNLR